The following is an entry in ClinVar:

NM_000368.5(TSC1):c.2964A>G (p.Ala988=)

Gene: TSC1 (TSC complex subunit 1; minus strand). Cytogenetic location: 9q34.13.
Variant type: single nucleotide variant.
Coding change: c.2964A>G on transcript NM_000368.5 (MANE Select); coding-DNA position 2964, A replaced by G.
Protein change: p.Ala988=; no amino-acid change (alanine 988 retained).
Molecular consequence: synonymous variant.
Genome position (GRCh38, 1-based): chr9:132,897,195, T>C on the plus strand (A>G on the coding strand, the complement: TSC1 is on the minus strand). VCF-style: chr9-132897195-T-C. GRCh37 (hg19) VCF-style: chr9-135772582-T-C.
Other names: c.2961A>G, p.Ala987= (NM_001162426.2); c.2811A>G, p.Ala937= (NM_001162427.2); c.2601A>G, p.Ala867= (NM_001362177.2).
Identifiers: ClinVar variation 379060 (VCV000379060.20), dbSNP rs1057520482, ClinGen allele CA16606310.

ClinVar aggregate classification (germline): Benign/Likely benign. Review status: criteria provided, multiple submitters, no conflicts (2 of 4 stars). 8 submissions from 8 submitters: Benign (2); Likely benign (5). 1 of the submissions does not count toward it. Last evaluated 2026-01-12.

Conditions:
TSC1-related disorder. Also called: TSC1-related condition.
Hereditary cancer-predisposing syndrome. Also called: Hereditary neoplastic syndrome; Tumor predisposition; Neoplastic Syndromes, Hereditary; Hereditary Cancer Syndrome. Identifiers: Orphanet 140162, MedGen C0027672, MeSH D009386, MONDO:0015356.
Tuberous sclerosis syndrome (TSC). Also called: Tuberous sclerosis; Tuberous Sclerosis Complex. Identifiers: Orphanet 805, MedGen C0041341, MONDO:0001734.
Tuberous sclerosis 1 (TSC1). Identifiers: Orphanet 805, MedGen C1854465, MONDO:0008612, OMIM 191100.

Allele frequency attached by ClinVar (database versions not stated): gnomAD exomes below 0.00001 and 0.00001; gnomAD 0.00001; TOPMed 0.00002.
gnomAD v4.1: 7 of 1,614,100 alleles (0.00043%); highest among the groups gnomAD compares: Admixed American, 0.0083%; no homozygotes.

Submissions (8):

Labcorp Genetics (formerly Invitae), Labcorp
Classification: Likely benign for Tuberous sclerosis 1. Last evaluated: 2026-01-12. Review status: criteria provided, single submitter. Criteria: Invitae Variant Classification Sherloc (09022015). Collection method: clinical testing. Allele origin: germline.

Myriad Genetics, Inc.
Classification: Benign for Tuberous sclerosis 1. Last evaluated: 2025-04-29. Review status: criteria provided, single submitter. Criteria: Myriad Autosomal Dominant, Autosomal Recessive and X-Linked Classification Criteria (2023). Collection method: clinical testing. Allele origin: unknown.
Comment: This variant is considered benign. This variant is a silent/synonymous amino acid change and it is not expected to impact splicing.

Color Diagnostics, LLC DBA Color Health
Classification: Likely benign for Tuberous sclerosis syndrome. Last evaluated: 2022-11-06. Review status: criteria provided, single submitter. Criteria: ACMG Guidelines, 2015. Collection method: clinical testing. Allele origin: germline.

Sema4
Classification: Likely benign for Hereditary cancer-predisposing syndrome. Last evaluated: 2022-02-22. Review status: criteria provided, single submitter. Criteria: Sema4 Curation Guidelines. Collection method: curation. Allele origin: germline.

Genome-Nilou Lab
Classification: Benign for Tuberous sclerosis 1. Last evaluated: 2021-11-07. Review status: criteria provided, single submitter. Criteria: ACMG Guidelines, 2015. Collection method: clinical testing. Allele origin: germline. Affected: no.

GeneDx
Classification: Likely benign. Last evaluated: 2019-09-04. Review status: criteria provided, single submitter. Criteria: GeneDx Variant Classification Process June 2021. Collection method: clinical testing. Allele origin: germline. Affected: yes.

Ambry Genetics
Classification: Likely benign for Hereditary cancer-predisposing syndrome. Last evaluated: 2018-10-23. Review status: criteria provided, single submitter. Criteria: Ambry Variant Classification Scheme 2023. Collection method: clinical testing. Allele origin: germline.

PreventionGenetics, part of Exact Sciences
Classification: Likely benign for TSC1-related condition. Last evaluated: 2024-07-29. Review status: no assertion criteria provided. Collection method: clinical testing. Allele origin: germline. Not counted in ClinVar's aggregate classification.
Comment: This variant is classified as likely benign based on ACMG/AMP sequence variant interpretation guidelines (Richards et al. 2015 PMID: 25741868, with internal and published modifications).